The following is an entry in ClinVar:

NC_000022.10:g.(?_42456283)_(43089957_?)del

Genes: A4GALT (alpha 1,4-galactosyltransferase (P1PK blood group); minus strand), ATP5MGL (ATP synthase membrane subunit g like; minus strand), CYB5R3 (cytochrome b5 reductase 3; minus strand), CYP2D6 (cytochrome P450 family 2 subfamily D member 6 (gene/pseudogene); minus strand), NAGA (alpha-N-acetylgalactosaminidase; minus strand) and 8 more. Cytogenetic location: 22q13.2.
Variant type: Deletion.
Identifiers: ClinVar variation 2425394 (VCV002425394.2).

ClinVar aggregate classification (germline): Pathogenic (1 of 4 stars; one submission).

Submission:

Labcorp Genetics (formerly Invitae), Labcorp
Classification: Pathogenic. Last evaluated: 2022-06-06. Review status: criteria provided, single submitter. Criteria: Invitae Variant Classification Sherloc (09022015). Collection method: clinical testing. Allele origin: germline.
Comment: A gross deletion of the genomic region encompassing the full coding sequence of the TCF20 gene has been identified. Loss-of-function variants in TCF20 are known to be pathogenic (PMID: 30739909, 30819258). The boundaries of this event are unknown as they extend beyond the assayed region for this gene and therefore may encompass additional genes. Isolated whole-gene deletions of TCF20 have not been reported in the literature. However, larger copy number events that include this gene have been reported (PMID: 30216695, 30819258, 34015165). For these reasons, this variant has been classified as Pathogenic.

Literature cited by the submitters: PubMed 30739909; PubMed 30819258; PubMed 30216695; PubMed 34015165.